The following is an entry in ClinVar:

ClinVar aggregate classification (germline): Likely pathogenic. Review status: criteria provided, single submitter (1 of 4 stars). 2 submissions from 2 submitters: Likely pathogenic (1). 1 of the submissions does not count toward it. Last evaluated 2025-09-10.

Conditions:
Mitochondrial neurogastrointestinal encephalomyopathy. Also called: Mitochondrial neurogastrointestinal encephalopathy syndrome; MNGIE syndrome; Thymidine phosphorylase deficiency. Identifiers: Orphanet 298, MedGen C0872218, MONDO:0017575.
Mitochondrial DNA depletion syndrome 1. Also called: Mitochondrial DNA depletion syndrome 1 (MNGIE type); Mitochondrial DNA Depletion Syndrome, MNGIE Form; MITOCHONDRIAL NEUROGASTROINTESTINAL ENCEPHALOPATHY SYNDROME, TYMP-RELATED; MNGIE, TYMP-RELATED; Mitochondrial neurogastrointestinal encephalomyopathy syndrome; POLIP SYNDROME. Identifiers: Orphanet 298, MedGen C4551995, MONDO:0011283, OMIM 603041.

Submissions (2):

Natera, Inc.
Classification: Likely pathogenic for Mitochondrial neurogastrointestinal encephalomyopathy. Last evaluated: 2025-09-10. Review status: criteria provided, single submitter. Criteria: Natera Variant Classification Schema (03/2026). Collection method: clinical testing. Allele origin: germline.
Comment: The c.1410dupC variant in TYMP is a frameshift variant predicted to elongate the protein beyond the termination codon. This variant may result in a truncated or dysfunctional protein product. This variant is rare in the general population with a frequency below the threshold expected for the associated phenotype(s). This variant has been observed to segregate in affected family members (PMID: 14720311). This variant has been identified in one or more affected individual with a phenotype highly consistent with the associated gene (PMID: 14720311). Given the available evidence, this variant is classified as Likely Pathogenic.

OMIM
Classification: Pathogenic for MITOCHONDRIAL DNA DEPLETION SYNDROME 1 (MNGIE TYPE). Last evaluated: 2000-06-01. Review status: no assertion criteria provided. Collection method: literature only. Allele origin: germline. Not counted in ClinVar's aggregate classification.

Literature cited by the submitters: PubMed 14720311 (cited by Natera, Inc.); PubMed 10852545 (cited by OMIM); PubMed 9924029 (cited by OMIM).

NM_001953.5(TYMP):c.1410dup (p.Ser471fs)

Genes: SCO2 (synthesis of cytochrome C oxidase 2; minus strand), TYMP (thymidine phosphorylase; minus strand), LOC130067862 (ATAC-STARR-seq lymphoblastoid silent region 13986; plus strand). Cytogenetic location: 22q13.33.
Variant type: Duplication.
Coding change: c.1410dup on transcript NM_001953.5 (MANE Select); coding-DNA position 1410, one base duplicated (C; older notation c.1410dupC).
Protein change: p.Ser471fs; shifts the reading frame from serine 471.
Molecular consequence: frameshift variant. On other transcripts: intron variant (2).
Genome position (GRCh38, 1-based): chr22:50,525,809, G duplicated on the plus strand (C on the coding strand, the reverse complement: TYMP is on the minus strand); the first of 5 consecutive G bases (chr22:50,525,809-50,525,813); duplicating any one gives the same sequence. VCF-style (leftmost placement, unchanged base first): chr22-50525808-A-AG. GRCh37 (hg19) VCF-style: chr22-50964237-A-AG.
Other names: c.1410dup, p.Ser471fs (NM_001113755.3, NM_001113756.3, NM_001257988.1); c.1425dup, p.Ser476fs (NM_001257989.1); c.-14+437dup (NM_001169109.2); c.-14+192dup (NM_001169110.1); short protein forms S471fs, S476fs.
Identifiers: ClinVar variation 16657 (VCV000016657.3), dbSNP rs786205097, ClinGen allele CA212979.